The following is an entry in ClinVar:

NM_176824.3(BBS7):c.192G>A (p.Pro64=)

Gene: BBS7 (Bardet-Biedl syndrome 7; minus strand). Cytogenetic location: 4q27.
Variant type: single nucleotide variant.
Coding change: c.192G>A on transcript NM_176824.3 (MANE Select); coding-DNA position 192, G replaced by A.
Protein change: p.Pro64=; no amino-acid change (proline 64 retained).
Molecular consequence: synonymous variant.
Genome position (GRCh38, 1-based): chr4:121,861,653, C>T on the plus strand (G>A on the coding strand, the complement: BBS7 is on the minus strand). VCF-style: chr4-121861653-C-T. GRCh37 (hg19) VCF-style: chr4-122782808-C-T.
Other names: c.192G>A, p.Pro64= (NM_018190.4).
Identifiers: ClinVar variation 417203 (VCV000417203.11), dbSNP rs775906320, ClinGen allele CA3064558.

ClinVar aggregate classification (germline): Likely benign. Review status: criteria provided, multiple submitters, no conflicts (2 of 4 stars). 3 submissions from 3 submitters: Likely benign (2). 1 of the submissions does not count toward it. Last evaluated 2025-12-26.

Conditions:
BBS7-related disorder. Also called: BBS7-related condition.
Bardet-Biedl syndrome (BBS). Identifiers: Orphanet 110, MedGen C0752166, MONDO:0015229.

Allele frequency attached by ClinVar (database versions not stated): ExAC 0.00001; gnomAD exomes 0.00001 and 0.00004; TOPMed 0.00002; gnomAD 0.00003.
gnomAD v4.1: 66 of 1,613,414 alleles (0.0041%); highest among the groups gnomAD compares: Admixed American, 0.017%; no homozygotes.

Submissions (3):

Labcorp Genetics (formerly Invitae), Labcorp
Classification: Likely benign for Bardet-Biedl syndrome. Last evaluated: 2025-12-26. Review status: criteria provided, single submitter. Criteria: Invitae Variant Classification Sherloc (09022015). Collection method: clinical testing. Allele origin: germline.

Blueprint Genetics
Classification: Likely benign. Last evaluated: 2024-04-10. Review status: criteria provided, single submitter. Criteria: ACMG Guidelines, 2015. Collection method: clinical testing. Allele origin: germline.

PreventionGenetics, part of Exact Sciences
Classification: Likely benign for BBS7-related condition. Last evaluated: 2020-03-20. Review status: no assertion criteria provided. Collection method: clinical testing. Allele origin: germline. Not counted in ClinVar's aggregate classification.
Comment: This variant is classified as likely benign based on ACMG/AMP sequence variant interpretation guidelines (Richards et al. 2015 PMID: 25741868, with internal and published modifications).